The following is an entry in ClinVar:

ClinVar aggregate classification (germline): Uncertain significance (1 of 4 stars; one submission).

Conditions:
Congenital neutropenia-myelofibrosis-nephromegaly syndrome. Also called: Severe congenital neutropenia 5, autosomal recessive. Identifiers: Orphanet 369852, MedGen C3809031, MONDO:0014118, OMIM 615285.

Allele frequency attached by ClinVar (database versions not stated): ExAC 0.00001; gnomAD 0.00001; gnomAD exomes 0.00001; TOPMed 0.00001; ESP Exome Variant Server 0.00008.
gnomAD v4.1: 10 of 1,613,954 alleles (0.00062%); highest among the groups gnomAD compares: Non-Finnish European, 0.00085%; no homozygotes.

Submission:

Labcorp Genetics (formerly Invitae), Labcorp
Classification: Uncertain significance for Congenital neutropenia-myelofibrosis-nephromegaly syndrome. Last evaluated: 2021-09-17. Review status: criteria provided, single submitter. Criteria: Invitae Variant Classification Sherloc (09022015). Collection method: clinical testing. Allele origin: germline.
Comment: This sequence change replaces threonine with alanine at codon 159 of the VPS45 protein (p.Thr159Ala). The threonine residue is moderately conserved and there is a small physicochemical difference between threonine and alanine. This variant is present in population databases (rs142551106, ExAC 0.001%). This variant has not been reported in the literature in individuals with VPS45-related conditions. Algorithms developed to predict the effect of missense changes on protein structure and function (SIFT, PolyPhen-2, Align-GVGD) all suggest that this variant is likely to be tolerated, but these predictions have not been confirmed by published functional studies and their clinical significance is uncertain. In summary, the available evidence is currently insufficient to determine the role of this variant in disease. Therefore, it has been classified as a Variant of Uncertain Significance.

NM_007259.5(VPS45):c.475A>G (p.Thr159Ala)

Gene: VPS45 (vacuolar protein sorting 45 homolog; plus strand). Cytogenetic location: 1q21.2.
Variant type: single nucleotide variant.
Coding change: c.475A>G on transcript NM_007259.5 (MANE Select); coding-DNA position 475, A replaced by G.
Protein change: p.Thr159Ala; replaces threonine 159 with alanine.
Molecular consequence: missense variant. On other transcripts: intron variant (1).
Genome position (GRCh38, 1-based): chr1:150,077,130, A>G. VCF-style: chr1-150077130-A-G. GRCh37 (hg19) VCF-style: chr1-150049208-A-G.
Other names: c.367A>G, p.Thr123Ala (NM_001279354.2); c.262-539A>G (NM_001279353.2); short protein forms T123A, T159A.
Identifiers: ClinVar variation 1384010 (VCV001384010.5), dbSNP rs142551106, ClinGen allele CA1073149.